The following is an entry in ClinVar:

NM_001267550.2(TTN):c.107230A>C (p.Ile35744Leu)

Genes: TTN-AS1 (TTN antisense RNA 1; plus strand), TTN (titin; minus strand). Cytogenetic location: 2q31.2.
Variant type: single nucleotide variant.
Coding change: c.107230A>C on transcript NM_001267550.2 (MANE Select); coding-DNA position 107230, A replaced by C.
Protein change: p.Ile35744Leu; replaces isoleucine 35744 with leucine.
Molecular consequence: missense variant.
Genome position (GRCh38, 1-based): chr2:178,528,421, T>G on the plus strand (A>C on the coding strand, the complement: TTN is on the minus strand). VCF-style: chr2-178528421-T-G. GRCh37 (hg19) VCF-style: chr2-179393148-T-G.
Other names: c.102307A>C, p.Ile34103Leu (NM_001256850.1); c.80035A>C, p.Ile26679Leu (NM_003319.4); c.99526A>C, p.Ile33176Leu (NM_133378.4); c.80410A>C, p.Ile26804Leu (NM_133432.3); c.80611A>C, p.Ile26871Leu (NM_133437.4); short protein forms I26804L, I33176L, I34103L, I26679L, I26871L, I35744L.
Identifiers: ClinVar variation 4792467 (VCV004792467.1).

ClinVar aggregate classification (germline): Uncertain significance (1 of 4 stars; one submission).

Conditions:
Autosomal recessive limb-girdle muscular dystrophy type 2J (LGMDR10). Also called: Limb-girdle muscular dystrophy, type 2J; MUSCULAR DYSTROPHY, LIMB-GIRDLE, AUTOSOMAL RECESSIVE 10. Identifiers: Orphanet 140922, MedGen C1837342, MONDO:0012127, OMIM 608807.
Dilated cardiomyopathy 1G (CMD1G). Identifiers: Orphanet 154, MedGen C1858763, MONDO:0011400, OMIM 604145.

gnomAD v4.1: 1 of 1,612,654 alleles (0.000062%); highest among the groups gnomAD compares: African/African-American, 0.0013%; no homozygotes.

Submission:

Labcorp Genetics (formerly Invitae), Labcorp
Classification: Uncertain significance for Dilated cardiomyopathy 1G; Autosomal recessive limb-girdle muscular dystrophy type 2J. Last evaluated: 2025-03-18. Review status: criteria provided, single submitter. Criteria: Invitae Variant Classification Sherloc (09022015). Collection method: clinical testing. Allele origin: germline.
Comment: This sequence change replaces isoleucine, which is neutral and non-polar, with leucine, which is neutral and non-polar, at codon 35744 of the TTN protein (p.Ile35744Leu). This variant is not present in population databases (gnomAD no frequency). This missense change has been observed in individual(s) with dilated cardiomyopathy (internal data). Experimental studies and prediction algorithms are not available or were not evaluated, and the functional significance of this variant is currently unknown. This variant is located in the M band of TTN (PMID: 25589632). Non-truncating variants in this region may be relevant for neuromuscular disorders, but have not been definitively shown to cause cardiomyopathy (PMID: 23975875). In summary, the available evidence is currently insufficient to determine the role of this variant in disease. Therefore, it has been classified as a Variant of Uncertain Significance.

Literature cited by the submitters: PubMed 25589632; PubMed 23975875.